The following is an entry in ClinVar:

ClinVar aggregate classification (germline): Uncertain significance (1 of 4 stars; one submission).

Conditions:
Developmental and epileptic encephalopathy, 42 (DEE42A). Also called: DEVELOPMENTAL AND EPILEPTIC ENCEPHALOPATHY 42A; EPILEPTIC ENCEPHALOPATHY, EARLY INFANTILE, 42A; Epileptic encephalopathy, early infantile, 42. Identifiers: MedGen C4310716, MONDO:0014917, OMIM 617106.
Episodic ataxia type 2 (EA2). Also called: ACETAZOLAMIDE-RESPONSIVE HEREDITARY PAROXYSMAL CEREBELLAR ATAXIA; ATAXIA, EPISODIC, WITH NYSTAGMUS; ATAXIA, FAMILIAL PAROXYSMAL; CEREBELLAR ATAXIA, PAROXYSMAL, ACETAZOLAMIDE-RESPONSIVE; CEREBELLOPATHY, HEREDITARY PAROXYSMAL; EPISODIC ATAXIA, NYSTAGMUS-ASSOCIATED. Identifiers: Orphanet 97, MedGen C1720416, MONDO:0007163, OMIM 108500.

Submission:

Labcorp Genetics (formerly Invitae), Labcorp
Classification: Uncertain significance for Developmental and epileptic encephalopathy, 42; Episodic ataxia type 2. Last evaluated: 2021-12-02. Review status: criteria provided, single submitter. Criteria: Invitae Variant Classification Sherloc (09022015). Collection method: clinical testing. Allele origin: germline.
Comment: This variant, c.2758_2772dup, results in the insertion of 5 amino acid(s) of the CACNA1A protein (p.Glu920_Gly924dup), but otherwise preserves the integrity of the reading frame. This variant is not present in population databases (gnomAD no frequency). This variant has not been reported in the literature in individuals affected with CACNA1A-related conditions. ClinVar contains an entry for this variant (Variation ID: 855447). Experimental studies and prediction algorithms are not available or were not evaluated, and the functional significance of this variant is currently unknown. In summary, the available evidence is currently insufficient to determine the role of this variant in disease. Therefore, it has been classified as a Variant of Uncertain Significance.

NM_001127222.2(CACNA1A):c.2755_2769dup (p.Glu919_Gly923dup)

Gene: CACNA1A (calcium voltage-gated channel subunit alpha1 A; minus strand). Cytogenetic location: 19p13.13.
Variant type: Duplication.
Coding change: c.2755_2769dup on transcript NM_001127222.2 (MANE Select); coding-DNA positions 2755 to 2769, 15 bases duplicated (GAGGCCGAGCGAGGC).
Protein change: p.Glu919_Gly923dup.
Molecular consequence: inframe insertion.
Genome position (GRCh38, 1-based): chr19:13,298,864-13,298,878, GCCTCGCTCGGCCTC duplicated on the plus strand (GAGGCCGAGCGAGGC on the coding strand, the reverse complement: CACNA1A is on the minus strand); duplicating any 15 consecutive bases within chr19:13,298,864-13,298,881 gives the same sequence; the c. name uses the placement nearest the transcript's 3' end. VCF-style (leftmost placement, unchanged base first): chr19-13298863-T-TGCCTCGCTCGGCCTC. GRCh37 (hg19) VCF-style: chr19-13409677-T-TGCCTCGCTCGGCCTC.
Other names: c.2767_2781dup, p.Glu923_Gly927dup (NM_000068.4, NM_023035.3); c.2758_2772dup, p.Glu920_Gly924dup (NM_001127221.2, NM_001174080.2).
Identifiers: ClinVar variation 855447 (VCV000855447.10), dbSNP rs2057728868, ClinGen allele CA916082450.